The following is an entry in ClinVar:

NM_022454.4(SOX17):c.428A>C (p.Lys143Thr)

Gene: SOX17 (SRY-box transcription factor 17; plus strand). Cytogenetic location: 8q11.23.
Variant type: single nucleotide variant.
Coding change: c.428A>C on transcript NM_022454.4 (MANE Select); coding-DNA position 428, A replaced by C.
Protein change: p.Lys143Thr; replaces lysine 143 with threonine.
Molecular consequence: missense variant.
Genome position (GRCh38, 1-based): chr8:54,459,178, A>C. VCF-style: chr8-54459178-A-C. GRCh37 (hg19) VCF-style: chr8-55371738-A-C.
Other names: short protein forms K143T.
Identifiers: ClinVar variation 4536371 (VCV004536371.1).

ClinVar aggregate classification (germline): Uncertain significance (1 of 4 stars; one submission).

Submission:

GeneDx
Classification: Uncertain significance. Last evaluated: 2025-06-02. Review status: criteria provided, single submitter. Criteria: GeneDx Variant Classification Process June 2021. Collection method: clinical testing. Allele origin: germline. Affected: yes.
Comment: Not observed at significant frequency in large population cohorts (gnomAD); In silico analysis supports that this missense variant has a deleterious effect on protein structure/function; Has not been previously published as pathogenic or benign to our knowledge.